The following is an entry in ClinVar:

NM_000256.3(MYBPC3):c.978del (p.Gln327fs)

Gene: MYBPC3 (myosin binding protein C3; minus strand). Cytogenetic location: 11p11.2.
Variant type: Deletion.
Coding change: c.978del on transcript NM_000256.3 (MANE Select); coding-DNA position 978, one base deleted (G; older notation c.978delG).
Protein change: p.Gln327fs; shifts the reading frame from glutamine 327.
Molecular consequence: frameshift variant.
Genome position (GRCh38, 1-based): chr11:47,346,319, C deleted on the plus strand (G on the coding strand, the reverse complement: MYBPC3 is on the minus strand); the first of 2 consecutive C bases (chr11:47,346,319-47,346,320); deleting either gives the same sequence. VCF-style (leftmost placement, unchanged base first): chr11-47346318-GC-G. GRCh37 (hg19) VCF-style: chr11-47367869-GC-G.
Other names: c.978del, p.Gln327fs (LRG_386t1); c.978delG (NM_000256.3); short protein forms Q327fs.
Identifiers: ClinVar variation 418933 (VCV000418933.2), dbSNP rs1064793536, ClinGen allele CA16619342.

ClinVar aggregate classification (germline): Pathogenic (1 of 4 stars; one submission).

Submission:

GeneDx
Classification: Pathogenic. Last evaluated: 2015-04-30. Review status: criteria provided, single submitter. Criteria: GeneDx Variant Classification (06012015). Collection method: clinical testing. Allele origin: germline. Affected: yes.
Comment: Although the c.978delG deletion in the MYBPC3 gene has not been reported to our knowledge, thisvariant causes a shift in reading frame starting at codon Glutamine 327, changing it to an Arginine, andcreating a premature stop codon at position 23 of the new reading frame, denoted p.Gln327ArgfsX23. This deletion is expected to result in either an abnormal, truncated protein product or loss of protein from this allele through nonsense-mediated mRNA decay. Other frameshift variants in the MYBPC3 gene have been reported in HGMD in association with HCM (Stenson P et al., 2014). In summary, c.978delG in the MYBPC3 gene is interpreted as pathogenic variant.